The following is an entry in ClinVar:

NM_000487.6(ARSA):c.1228_1229del (p.Thr410fs)

Gene: ARSA (arylsulfatase A; minus strand). Cytogenetic location: 22q13.33.
Variant type: Deletion.
Coding change: c.1228_1229del on transcript NM_000487.6 (MANE Select); coding-DNA positions 1228 to 1229, 2 bases deleted (AC; older notation c.1228_1229delAC).
Protein change: p.Thr410fs; shifts the reading frame from threonine 410.
Molecular consequence: frameshift variant.
Genome position (GRCh38, 1-based): chr22:50,625,446-50,625,447, GT deleted on the plus strand (AC on the coding strand, the reverse complement: ARSA is on the minus strand). VCF-style (leftmost placement, unchanged base first): chr22-50625445-GGT-G. GRCh37 (hg19) VCF-style: chr22-51063873-GGT-G.
Other names: c.1228_1229del, p.Thr410fs (NM_001085425.3, NM_001085426.3, NM_001085427.3); c.970_971del, p.Thr324fs (NM_001085428.3, NM_001362782.2); short protein forms T324fs, T410fs.
Identifiers: ClinVar variation 1177268 (VCV001177268.1), dbSNP rs2146716979, ClinGen allele CA2499226240.

ClinVar aggregate classification (germline): Pathogenic (1 of 4 stars; one submission).

Conditions:
Metachromatic leukodystrophy (MLD). Also called: ARSA DEFICIENCY; CEREBROSIDE SULFATASE DEFICIENCY; METACHROMATIC LEUKOENCEPHALOPATHY; Arylsulfatase A Deficiency; SULFATIDE LIPIDOSIS; Cerebral sclerosis diffuse metachromatic form. Identifiers: Orphanet 512, MedGen C0023522, MONDO:0018868, OMIM 250100.

Submission:

Women's Health and Genetics/Laboratory Corporation of America, LabCorp
Classification: Pathogenic for Metachromatic leukodystrophy. Last evaluated: 2021-06-17. Review status: criteria provided, single submitter. Criteria: LabCorp Variant Classification Summary - May 2015. Collection method: clinical testing. Allele origin: germline.
Comment: Variant summary: ARSA c.1228_1229delAC (p.Thr410HisfsX16) results in a premature termination codon, predicted to cause a truncation of the encoded protein or absence of the protein due to nonsense mediated decay, which are commonly known mechanisms for disease. Truncations downstream of this position have been classified as pathogenic by our laboratory. The variant was absent in 238760 control chromosomes (gnomAD). c.1228_1229delAC has been reported in the literature in one homozygous individual affected with Metachromatic Leukodystrophy (Biffi_2008). These data indicate that the variant may be associated with disease. Experimental evidence evaluating an impact on protein function demonstrated the variant to confer a null residual activity (Cesani_2009). No clinical diagnostic laboratories have submitted clinical-significance assessments for this variant to ClinVar after 2014. Based on the evidence outlined above, the variant was classified as pathogenic.

Literature cited by the submitters: PubMed 18786133; PubMed 19606494; PubMed 33855715.